The following is an entry in ClinVar:

ClinVar aggregate classification (germline): Likely pathogenic (1 of 4 stars; one submission).

Conditions:
Combined immunodeficiency due to ORAI1 deficiency. Also called: IMMUNODEFICIENCY 9. Identifiers: Orphanet 169090, Orphanet 317428, MedGen C2748568, MONDO:0013007, OMIM 612782.
Myopathy, tubular aggregate, 2 (TAM2). Identifiers: MedGen C4014557, MONDO:0014383, OMIM 615883.

Submission:

Labcorp Genetics (formerly Invitae), Labcorp
Classification: Likely pathogenic for Myopathy, tubular aggregate, 2; Combined immunodeficiency due to ORAI1 deficiency. Last evaluated: 2018-11-19. Review status: criteria provided, single submitter. Criteria: Invitae Variant Classification Sherloc (09022015). Collection method: clinical testing. Allele origin: germline.
Comment: This variant has not been reported in the literature in individuals with ORAI1-related disease. This variant is not present in population databases (ExAC no frequency). This sequence change results in a premature translational stop signal in the ORAI1 gene (p.Ile182Metfs*7). While this is not anticipated to result in nonsense mediated decay, it is expected to disrupt the last 120 amino acids of the ORAI1 protein. This variant disrupts the C-terminal domain of the ORAI1 protein, which has been shown to be essential for proper ORAI1 protein function (PMID: 23447534, 26138675). While functional studies have not been performed to directly test the effect of this variant on ORAI1 protein function, this suggests that disruption of this region of the protein is causative of disease. In summary, the currently available evidence indicates that the variant is pathogenic, but additional data are needed to prove that conclusively. Therefore, this variant has been classified as Likely Pathogenic.

Literature cited by the submitters: PubMed 23447534; PubMed 26138675.

NC_000012.12:g.121641283del

Gene: ORAI1 (ORAI calcium release-activated calcium modulator 1; plus strand). Cytogenetic location: 12q24.31.
Variant type: Deletion.
Molecular consequence: frameshift variant (on NM_032790.3).
Genome position: GRCh38 VCF-style: chr12-121641282-TC-T. GRCh37 (hg19) VCF-style: chr12-122079188-TC-T.
Other names: c.546delC (NM_032790.3); c.546delC, p.Ile182Metfs (NM_032790.4); short protein forms I182fs.
Identifiers: ClinVar variation 639606 (VCV000639606.9), dbSNP rs1594212582, ClinGen allele CA915946729.